The following is an entry in ClinVar:

NM_005751.5(AKAP9):c.2065A>G (p.Ile689Val)

Gene: AKAP9 (A-kinase anchoring protein 9; plus strand). Cytogenetic location: 7q21.2.
Variant type: single nucleotide variant.
Coding change: c.2065A>G on transcript NM_005751.5 (MANE Select); coding-DNA position 2065, A replaced by G.
Protein change: p.Ile689Val; replaces isoleucine 689 with valine.
Molecular consequence: missense variant.
Genome position (GRCh38, 1-based): chr7:92,001,982, A>G. VCF-style: chr7-92001982-A-G. GRCh37 (hg19) VCF-style: chr7-91631296-A-G.
Other names: c.2065A>G, p.Ile689Val (NM_147185.3); short protein forms I689V.
Identifiers: ClinVar variation 2904501 (VCV002904501.4), dbSNP rs1799233867, ClinGen allele CA368123246.
Genomic context (GRCh38, chr7:92,001,982, plus strand): 5'-GGTTTACAGAATGAAATGAGTCAAAAGATAGAAACCATGCAGTTTGAAAAGGACAATTTG[A>G]TAACTAAGCAGAATCAATTAATTTTGGAAATTTCAAAGCTAAAAGATTTACAGCAGTCTC-3'
Protein context (NP_005742.4, residues 679-699): ETMQFEKDNL[Ile689Val]TKQNQLILEI

ClinVar aggregate classification (germline): Uncertain significance. Review status: criteria provided, multiple submitters, no conflicts (2 of 4 stars). 2 submissions from 2 submitters: Uncertain significance (2). Last evaluated 2024-02-16.

Conditions:
Long QT syndrome (LQTS). Identifiers: MedGen C0023976, MeSH D008133, MONDO:0002442. Disease mechanism: loss of function. Inheritance: Various modes of inheritance.
Cardiovascular phenotype. Identifiers: MedGen CN230736.

Allele frequency attached by ClinVar (database versions not stated): gnomAD 0.00001.
gnomAD v4.1: 1 of 1,612,794 alleles (0.000062%); highest among the groups gnomAD compares: Non-Finnish European, 0.000085%; no homozygotes.

Submissions (2):

Ambry Genetics
Classification: Uncertain significance for Cardiovascular phenotype. Last evaluated: 2024-02-16. Review status: criteria provided, single submitter. Criteria: Ambry Variant Classification Scheme 2023. Collection method: clinical testing. Allele origin: germline.
Comment: The p.I689V variant (also known as c.2065A>G), located in coding exon 8 of the AKAP9 gene, results from an A to G substitution at nucleotide position 2065. The isoleucine at codon 689 is replaced by valine, an amino acid with highly similar properties. This amino acid position is conserved. In addition, this alteration is predicted to be tolerated by in silico analysis. Based on the available evidence, the clinical significance of this alteration remains unclear.

Labcorp Genetics (formerly Invitae), Labcorp
Classification: Uncertain significance for Long QT syndrome. Last evaluated: 2023-10-23. Review status: criteria provided, single submitter. Criteria: Invitae Variant Classification Sherloc (09022015). Collection method: clinical testing. Allele origin: germline.
Comment: This sequence change replaces isoleucine, which is neutral and non-polar, with valine, which is neutral and non-polar, at codon 689 of the AKAP9 protein (p.Ile689Val). This variant is not present in population databases (gnomAD no frequency). This variant has not been reported in the literature in individuals affected with AKAP9-related conditions. An algorithm developed to predict the effect of missense changes on protein structure and function (PolyPhen-2) suggests that this variant is likely to be disruptive. In summary, the available evidence is currently insufficient to determine the role of this variant in disease. Therefore, it has been classified as a Variant of Uncertain Significance.